The following is an entry in ClinVar:

ClinVar aggregate classification (germline): Benign (1 of 4 stars; one submission).

Allele frequency attached by ClinVar (database versions not stated): gnomAD exomes 0.20393; gnomAD 0.21305 and 0.21922; 1000 Genomes Project 0.30711; TOPMed 0.22088; 1000 Genomes Project 30x 0.30325.
gnomAD v4.1: 130,712 of 628,724 alleles (21%); highest among the groups gnomAD compares: East Asian, 51%; 16,063 homozygotes.

Submission:

GeneDx
Classification: Benign. Last evaluated: 2018-06-14. Review status: criteria provided, single submitter. Criteria: GeneDx Variant Classification (06012015). Collection method: clinical testing. Allele origin: germline. Affected: yes.
Comment: This variant is considered likely benign or benign based on one or more of the following criteria: it is a conservative change, it occurs at a poorly conserved position in the protein, it is predicted to be benign by multiple in silico algorithms, and/or has population frequency not consistent with disease.

NM_002291.3(LAMB1):c.3946+148A>C

Gene: LAMB1 (laminin subunit beta 1; minus strand). Cytogenetic location: 7q31.1.
Variant type: single nucleotide variant.
Coding change: c.3946+148A>C on transcript NM_002291.3 (MANE Select); 148 bases into the intron after coding-DNA position 3946, A replaced by C.
Molecular consequence: intron variant.
Genome position (GRCh38, 1-based): chr7:107,936,945, T>G on the plus strand (A>C on the coding strand, the complement: LAMB1 is on the minus strand). VCF-style: chr7-107936945-T-G. GRCh37 (hg19) VCF-style: chr7-107577390-T-G.
Identifiers: ClinVar variation 682980 (VCV000682980.1), dbSNP rs10249141, ClinGen allele CA16310923.